The following is an entry in ClinVar:

ClinVar aggregate classification (germline): Uncertain significance (1 of 4 stars; one submission).

Conditions:
Hypertrophic cardiomyopathy. Also called: HYPERTROPHIC MYOCARDIOPATHY. Identifiers: Orphanet 217569, MedGen C0007194, MeSH D002312, MONDO:0005045, HP:0001639.
Primary dilated cardiomyopathy (DCM). Also called: Dilated Cardiomyopathy. Identifiers: Orphanet 217604, MedGen C0007193, MeSH D002311, MONDO:0005021, HP:0001644. Inheritance: Various modes of inheritance.

Submission:

Labcorp Genetics (formerly Invitae), Labcorp
Classification: Uncertain significance for Hypertrophic cardiomyopathy; Primary dilated cardiomyopathy. Last evaluated: 2025-08-03. Review status: criteria provided, single submitter. Criteria: Invitae Variant Classification Sherloc (09022015). Collection method: clinical testing. Allele origin: germline.
Comment: This sequence change replaces glutamine, which is neutral and polar, with arginine, which is basic and polar, at codon 189 of the PDLIM3 protein (p.Gln189Arg). This variant is not present in population databases (gnomAD no frequency). This variant has not been reported in the literature in individuals affected with PDLIM3-related conditions. Invitae Evidence Modeling of protein sequence and biophysical properties (such as structural, functional, and spatial information, amino acid conservation, physicochemical variation, residue mobility, and thermodynamic stability) indicates that this missense variant is not expected to disrupt PDLIM3 protein function with a negative predictive value of 80%. In summary, the available evidence is currently insufficient to determine the role of this variant in disease. Therefore, it has been classified as a Variant of Uncertain Significance.

NM_014476.6(PDLIM3):c.566A>G (p.Gln189Arg)

Gene: PDLIM3 (PDZ and LIM domain 3; minus strand). Cytogenetic location: 4q35.1.
Variant type: single nucleotide variant.
Coding change: c.566A>G on transcript NM_014476.6 (MANE Select); coding-DNA position 566, A replaced by G.
Protein change: p.Gln189Arg; replaces glutamine 189 with arginine.
Molecular consequence: missense variant. On other transcripts: intron variant (3).
Genome position (GRCh38, 1-based): chr4:185,508,395, T>C on the plus strand (A>G on the coding strand, the complement: PDLIM3 is on the minus strand). VCF-style: chr4-185508395-T-C. GRCh37 (hg19) VCF-style: chr4-186429549-T-C.
Other names: c.519-1743A>G (NM_001114107.5); c.162-1743A>G (NM_001257963.2); c.399-1743A>G (NM_001257962.2); short protein forms Q189R.
Identifiers: ClinVar variation 4789920 (VCV004789920.1).
Genomic context (GRCh38, chr4:185,508,395, plus strand): 5'-TGACCCTGGAGTGTTTCCATAATATTGTCATCTGAGTACAACTGCATAGGTGTATTAAAC[T>C]GAGCATGTACAATCTTCACACCAGGAAGTTCCATTTCCAAAGGAATGTTAGGGGCCAGCT-3'
Protein context (NP_055291.2, residues 179-199): ELPGVKIVHA[Gln189Arg]FNTPMQLYSD